The following is an entry in ClinVar:

NM_005677.4(COLQ):c.1195+1G>A

Gene: COLQ (collagen like tail subunit of asymmetric acetylcholinesterase; minus strand). Cytogenetic location: 3p25.1.
Variant type: single nucleotide variant.
Coding change: c.1195+1G>A on transcript NM_005677.4 (MANE Select); the canonical splice donor site of the intron after coding-DNA position 1195, G replaced by A.
Molecular consequence: splice donor variant.
Genome position (GRCh38, 1-based): chr3:15,455,898, C>T on the plus strand (G>A on the coding strand, the complement: COLQ is on the minus strand). VCF-style: chr3-15455898-C-T. GRCh37 (hg19) VCF-style: chr3-15497405-C-T.
Other names: c.1093+1G>A (NM_080539.4); c.1165+1G>A (NM_080538.2).
Identifiers: ClinVar variation 976238 (VCV000976238.18), dbSNP rs755782087, ClinGen allele CA2275853.

ClinVar aggregate classification (germline): Pathogenic. Review status: criteria provided, multiple submitters, no conflicts (2 of 4 stars). 7 submissions from 7 submitters: Pathogenic (7). Last evaluated 2026-08-06.

Conditions:
Congenital myasthenic syndrome 5. Identifiers: Orphanet 590, MedGen C1864233, MONDO:0011281, OMIM 603034.

Allele frequency attached by ClinVar (database versions not stated): gnomAD 0.00001; TOPMed 0.00002; gnomAD exomes 0.00003; ExAC 0.00005.
gnomAD v4.1: 49 of 1,613,930 alleles (0.003%); highest among the groups gnomAD compares: East Asian, 0.011%; no homozygotes.

Submissions (7):

OLLIN Analises Genomicas, OLLIN
Classification: Pathogenic for Congenital myasthenic syndrome 5. Last evaluated: 2026-08-06. Review status: criteria provided, single submitter. Criteria: ACMG Guidelines 2015 PMID 25741868. Collection method: clinical testing. Allele origin: germline. Inheritance: Autosomal recessive inheritance.
Comment: This variant, located at the canonical splicing site (splice donor), has been reported in ClinVar (accession VCV000976238.17) and in gnomAD with an allele frequency of 0.00304%. However, to our knowledge, it has not been reported in the scientific literature. This variant is predicted to disrupt a canonical splice site, potentially leading to exon skipping, mRNA degradation via nonsense-mediated decay (NMD), or production of a truncated protein. According to the currently available evidence, this variant has been classified as pathogenic (PVS1, PM2_P, PM3).

Labcorp Genetics (formerly Invitae), Labcorp
Classification: Pathogenic for Congenital myasthenic syndrome 5. Last evaluated: 2024-10-22. Review status: criteria provided, single submitter. Criteria: Invitae Variant Classification Sherloc (09022015). Collection method: clinical testing. Allele origin: germline.
Comment: This sequence change affects a donor splice site in intron 15 of the COLQ gene. It is expected to disrupt RNA splicing. Variants that disrupt the donor or acceptor splice site typically lead to a loss of protein function (PMID: 16199547), and loss-of-function variants in COLQ are known to be pathogenic (PMID: 22678886). This variant is present in population databases (rs755782087, gnomAD 0.02%). Disruption of this splice site has been observed in individual(s) with congenital myasthenic syndrome (PMID: 10665486, 16009904). In at least one individual the data is consistent with being in trans (on the opposite chromosome) from a pathogenic variant. This variant is also known as IVS15+1G>A. ClinVar contains an entry for this variant (Variation ID: 976238). Algorithms developed to predict the effect of variants on gene product structure and function are not available or were not evaluated for this variant. Experimental studies have shown that disruption of this splice site affects COLQ function (PMID: 10665486). Algorithms developed to predict the effect of sequence changes on RNA splicing suggest that this variant may disrupt the consensus splice site. For these reasons, this variant has been classified as Pathogenic.

Fulgent Genetics
Classification: Pathogenic for Congenital myasthenic syndrome 5. Last evaluated: 2024-04-17. Review status: criteria provided, single submitter. Criteria: ACMG Guidelines, 2015. Collection method: clinical testing. Allele origin: germline.

Baylor Genetics
Classification: Pathogenic for Congenital myasthenic syndrome 5. Last evaluated: 2024-03-18. Review status: criteria provided, single submitter. Criteria: ACMG Guidelines, 2015. Collection method: clinical testing. Allele origin: unknown.

Victorian Clinical Genetics Services, Murdoch Childrens Research Institute
Classification: Pathogenic for Congenital myasthenic syndrome 5. Last evaluated: 2022-02-02. Review status: criteria provided, single submitter. Criteria: ACMG Guidelines, 2015. Collection method: clinical testing. Allele origin: germline. Inheritance: Autosomal recessive inheritance. Affected: yes.
Comment: Based on the classification scheme VCGS_Germline_v1.3.4, this variant is classified as Pathogenic. Following criteria are met: 0102 - Loss of function is a known mechanism of disease in this gene and is associated with congenital myasthenic syndrome 5 (MIM#603034). (I) 0106 - This gene is associated with autosomal recessive disease. (I) 0211 - Canonical splice site variant without proven consequence on splicing (no functional evidence available). (SP) 0252 - This variant is homozygous. (I) 0304 - Variant is present in gnomAD (v2) <0.01 for a recessive condition (7 heterozygotes, 0 homozygotes). (SP) 0704 - Another canonical splice site variant comparable to the one identified in this case has limited previous evidence for pathogenicity. A different variant in the same splice site (IVS15+1G>T) has been shown to cause congenital myasthenic syndrome (PMID: 18180250). (SP) 0801 - This variant has strong previous evidence of pathogenicity in unrelated individuals. This variant has been reported in multiple patients with congenital myasthenic syndrome (ClinVar, PMID: 10665486, 16009904, 22759693). (SP) 0905 - No published segregation evidence has been identified for this variant. (I) Legend: (SP) - Supporting pathogenic, (I) - Information, (SB) - Supporting benign

Genetics and Genomic Medicine Centre, NeuroGen Healthcare, NeuroGen Healthcare
Classification: Pathogenic for Congenital myasthenic syndrome 5. Last evaluated: 2022-01-27. Review status: criteria provided, single submitter. Criteria: Submitter's publication. Collection method: clinical testing. Allele origin: unknown. Affected: no.

Institute of Human Genetics, University of Leipzig Medical Center
Classification: Pathogenic for Congenital myasthenic syndrome 5. Last evaluated: 2017-08-31. Review status: criteria provided, single submitter. Criteria: ACMG Guidelines, 2015. Collection method: clinical testing. Allele origin: germline. Affected: yes. Observed: 1 variant allele.

Literature cited by the submitters: PubMed 16199547 (cited by Labcorp Genetics (formerly Invitae), Labcorp); PubMed 22678886 (cited by Labcorp Genetics (formerly Invitae), Labcorp); PubMed 10665486 (cited by Labcorp Genetics (formerly Invitae), Labcorp and Victorian Clinical Genetics Services, Murdoch Childrens Research Institute); PubMed 16009904 (cited by Labcorp Genetics (formerly Invitae), Labcorp and Victorian Clinical Genetics Services, Murdoch Childrens Research Institute); PubMed 18180250 (cited by Victorian Clinical Genetics Services, Murdoch Childrens Research Institute); PubMed 22759693 (cited by Victorian Clinical Genetics Services, Murdoch Childrens Research Institute).